The following is an entry in ClinVar:

ClinVar aggregate classification (germline): Pathogenic (1 of 4 stars; one submission).

Conditions:
Autosomal recessive nonsyndromic hearing loss 22. Identifiers: Orphanet 90636, MedGen C1846896, MONDO:0011762, OMIM 607039.

Submission:

Institute of Human Genetics, University of Goettingen
Classification: Pathogenic for Autosomal recessive nonsyndromic hearing loss 22. Last evaluated: 2025-01-02. Review status: criteria provided, single submitter. Criteria: ACMG Guidelines, 2015. Collection method: clinical testing. Allele origin: germline. Inheritance: Autosomal recessive inheritance. Affected: yes. Observed: 1 compound heterozygote.
Comment: PVS1: frameshift variant in a gene with LoF pathomechanism PM2_sup: extremley low in population databases PM3: compund heterozygous with a known pathogenic variant

NM_144672.4(OTOA):c.938del (p.Ser313fs)

Gene: OTOA (otoancorin). Cytogenetic location: 16p12.2.
Variant type: Deletion.
Coding change: c.938del on transcript NM_144672.4 (MANE Select); coding-DNA position 938, one base deleted.
Protein change: p.Ser313fs; shifts the reading frame from serine 313.
Molecular consequence: frameshift variant.
Genome position: GRCh38 VCF-style: chr16-21700984-AG-A. GRCh37 (hg19) VCF-style: chr16-21712305-AG-A.
Other names: c.701del, p.Ser234fs (NM_001161683.2); c.938delG (NM_144672.4); short protein forms S234fs, S313fs.
Identifiers: ClinVar variation 3393352 (VCV003393352.1).